The following is an entry in ClinVar:

ClinVar aggregate classification (germline): Conflicting classifications of pathogenicity. Review status: criteria provided, conflicting classifications (1 of 4 stars). 5 submissions from 5 submitters: Uncertain significance (1); Likely benign (3). 1 of the submissions does not count toward it. Last evaluated 2026-01-12.

Conditions:
PHKA1-related disorder. Also called: PHKA1-related condition.
Glycogen storage disease IXd (GSD9D). Also called: GSD IXd; Muscle Phosphorylase Kinase Deficiency. Identifiers: Orphanet 715, MedGen C1845151, MONDO:0010362, OMIM 300559.

Submissions (5):

Labcorp Genetics (formerly Invitae), Labcorp
Classification: Likely benign for Glycogen storage disease IXd. Last evaluated: 2026-01-12. Review status: criteria provided, single submitter. Criteria: Invitae Variant Classification Sherloc (09022015). Collection method: clinical testing. Allele origin: germline.

Blueprint Genetics
Classification: Likely benign. Last evaluated: 2024-07-19. Review status: criteria provided, single submitter. Criteria: ACMG Guidelines, 2015. Collection method: clinical testing. Allele origin: germline.

CeGaT Center for Human Genetics Tuebingen
Classification: Uncertain significance. Last evaluated: 2022-09-01. Review status: criteria provided, single submitter. Criteria: CeGaT Center For Human Genetics Tuebingen Variant Classification Criteria Version 2. Collection method: clinical testing. Allele origin: germline. Affected: yes. Observed: 1 variant allele.
Comment: PHKA1: PM2, BP4

GeneDx
Classification: Likely benign. Last evaluated: 2017-10-27. Review status: criteria provided, single submitter. Criteria: GeneDx Variant Classification (06012015). Collection method: clinical testing. Allele origin: germline. Affected: yes.
Comment: This variant is considered likely benign or benign based on one or more of the following criteria: it is a conservative change, it occurs at a poorly conserved position in the protein, it is predicted to be benign by multiple in silico algorithms, and/or has population frequency not consistent with disease.

PreventionGenetics, part of Exact Sciences
Classification: Likely benign for PHKA1-related condition. Last evaluated: 2020-10-07. Review status: no assertion criteria provided. Collection method: clinical testing. Allele origin: germline. Not counted in ClinVar's aggregate classification.
Comment: This variant is classified as likely benign based on ACMG/AMP sequence variant interpretation guidelines (Richards et al. 2015 PMID: 25741868, with internal and published modifications).

NM_002637.4(PHKA1):c.2685+8_2685+10del

Gene: PHKA1 (phosphorylase kinase regulatory subunit alpha 1; minus strand). Cytogenetic location: Xq13.1.
Variant type: Microsatellite.
Coding change: c.2685+8_2685+10del on transcript NM_002637.4 (MANE Select); bases 8 to 10 of the intron after coding-DNA position 2685, 3 bases deleted (GAA; older notation c.2685+8_2685+10delGAA).
Molecular consequence: intron variant.
Genome position (GRCh38, 1-based): chrX:72,605,531-72,605,533, TTC deleted on the plus strand (GAA on the coding strand, the reverse complement: PHKA1 is on the minus strand); deleting any 3 consecutive bases within chrX:72,605,531-72,605,537 gives the same sequence; the c. name uses the placement nearest the transcript's 3' end. VCF-style (leftmost placement, unchanged base first): chrX-72605530-ATTC-A. GRCh37 (hg19) VCF-style: chrX-71825380-ATTC-A.
Other names: c.2508+8_2508+10del (NM_001172436.2); c.2685+8_2685+10del (NM_001122670.2); c.2685+8_2685+10delGAA (NM_002637.3).
Identifiers: ClinVar variation 421032 (VCV000421032.35), dbSNP rs782176924, ClinGen allele CA10450630.